The following is an entry in ClinVar:

NM_147127.5(EVC2):c.916delinsGACGA (p.Phe306fs)

Gene: EVC2 (EvC ciliary complex subunit 2; minus strand). Cytogenetic location: 4p16.2.
Variant type: Indel.
Coding change: c.916delinsGACGA on transcript NM_147127.5 (MANE Select); coding-DNA position 916, T replaced by GACGA.
Protein change: p.Phe306fs; shifts the reading frame from phenylalanine 306.
Molecular consequence: frameshift variant.
Genome position (GRCh38, 1-based): chr4:5,665,604, A replaced by TCGTC on the plus strand (T replaced by GACGA on the coding strand, the reverse complement: EVC2 is on the minus strand). VCF-style: chr4-5665604-A-TCGTC. GRCh37 (hg19) VCF-style: chr4-5667331-A-TCGTC.
Other names: c.676delinsGACGA, p.Phe226fs (NM_001166136.2); short protein forms F226fs, F306fs.
Identifiers: ClinVar variation 1726504 (VCV001726504.2), dbSNP rs2475515476, ClinGen allele CA2580070761.

ClinVar aggregate classification (germline): Likely pathogenic (1 of 4 stars; one submission).

Conditions:
Ellis-van Creveld syndrome (EVC). Also called: EVC-Related Ellis-van Creveld Syndrome; EVC2-Related Ellis-van Creveld Syndrome; MESOECTODERMAL DYSPLASIA; Chondroectodermal dysplasia. Identifiers: Orphanet 289, MedGen C0013903, MONDO:0009162, OMIM 225500.

Submission:

Myriad Genetics, Inc.
Classification: Likely pathogenic for Ellis-van Creveld syndrome. Last evaluated: 2021-12-17. Review status: criteria provided, single submitter. Criteria: Myriad Women's Health Autosomal Recessive and X-Linked Classification Criteria (2021). Collection method: clinical testing. Allele origin: unknown.
Comment: NM_147127.4(EVC2):c.916del1ins5(F306Dfs*36) is expected to be pathogenic in the context of EVC2-related Ellis-van Creveld syndrome. This variant is predicted to lead to an abnormal or absent protein product due to the creation of a premature termination codon in EVC2, a gene where loss-of-function variants are known to be pathogenic. Please note: this variant was assessed in the context of healthy population screening.